The following is an entry in ClinVar:

ClinVar aggregate classification (germline): Uncertain significance (1 of 4 stars; one submission).

Conditions:
Primary ciliary dyskinesia. Also called: Ciliary dyskinesia. Identifiers: Orphanet 244, MedGen C0008780, MONDO:0016575, HP:0012265.

Allele frequency attached by ClinVar (database versions not stated): TOPMed below 0.00001.
gnomAD v4.1: 1 of 1,578,130 alleles (0.000063%); highest among the groups gnomAD compares: Non-Finnish European, 0.000086%; no homozygotes.

Submission:

Labcorp Genetics (formerly Invitae), Labcorp
Classification: Uncertain significance for Primary ciliary dyskinesia. Last evaluated: 2024-11-09. Review status: criteria provided, single submitter. Criteria: Invitae Variant Classification Sherloc (09022015). Collection method: clinical testing. Allele origin: germline.
Comment: This sequence change replaces glycine, which is neutral and non-polar, with alanine, which is neutral and non-polar, at codon 11 of the DNAAF1 protein (p.Gly11Ala). This variant is not present in population databases (gnomAD no frequency). This variant has not been reported in the literature in individuals affected with DNAAF1-related conditions. ClinVar contains an entry for this variant (Variation ID: 525263). An algorithm developed to predict the effect of missense changes on protein structure and function (PolyPhen-2) suggests that this variant is likely to be tolerated. In summary, the available evidence is currently insufficient to determine the role of this variant in disease. Therefore, it has been classified as a Variant of Uncertain Significance.

NM_178452.6(DNAAF1):c.32G>C (p.Gly11Ala)

Gene: DNAAF1 (dynein axonemal assembly factor 1; plus strand). Cytogenetic location: 16q24.1.
Variant type: single nucleotide variant.
Coding change: c.32G>C on transcript NM_178452.6 (MANE Select); coding-DNA position 32, G replaced by C.
Protein change: p.Gly11Ala; replaces glycine 11 with alanine.
Molecular consequence: missense variant.
Genome position (GRCh38, 1-based): chr16:84,145,472, G>C. VCF-style: chr16-84145472-G-C. GRCh37 (hg19) VCF-style: chr16-84179077-G-C.
Other names: short protein forms G11A.
Identifiers: ClinVar variation 525263 (VCV000525263.9), dbSNP rs1441002883, ClinGen allele CA396937928.